The following is an entry in ClinVar:

NM_001457.4(FLNB):c.1484-170A>G

Gene: FLNB (filamin B; plus strand). Cytogenetic location: 3p14.3.
Variant type: single nucleotide variant.
Coding change: c.1484-170A>G on transcript NM_001457.4 (MANE Select); 170 bases into the intron before coding-DNA position 1484, A replaced by G.
Molecular consequence: intron variant.
Genome position (GRCh38, 1-based): chr3:58,103,789, A>G. VCF-style: chr3-58103789-A-G. GRCh37 (hg19) VCF-style: chr3-58089516-A-G.
Other names: c.1484-170A>G (NM_001164317.2, NM_001164318.2, NM_001164319.2).
Identifiers: ClinVar variation 683080 (VCV000683080.2), dbSNP rs6445945, ClinGen allele CA15238700.

ClinVar aggregate classification (germline): Benign. Review status: criteria provided, multiple submitters, no conflicts (2 of 4 stars). 2 submissions from 2 submitters: Benign (2). Last evaluated 2018-06-14.

Allele frequency attached by ClinVar (database versions not stated): gnomAD 0.72919 and 0.73473; TOPMed 0.75380; 1000 Genomes Project 0.84545; 1000 Genomes Project 30x 0.84635.
gnomAD v4.1: 111,684 of 152,124 alleles (73%); highest among the groups gnomAD compares: East Asian, 100%; 42,017 homozygotes.

Submissions (2):

GeneDx
Classification: Benign. Last evaluated: 2018-06-14. Review status: criteria provided, single submitter. Criteria: GeneDx Variant Classification (06012015). Collection method: clinical testing. Allele origin: germline. Affected: yes.
Comment: This variant is considered likely benign or benign based on one or more of the following criteria: it is a conservative change, it occurs at a poorly conserved position in the protein, it is predicted to be benign by multiple in silico algorithms, and/or has population frequency not consistent with disease.

Breakthrough Genomics
Classification: Benign. Review status: criteria provided, single submitter. Criteria: ACMG Guidelines, 2015. Collection method: not provided. Allele origin: germline. Inheritance: Autosomal recessive inheritance. Affected: yes.